The following is an entry in ClinVar:

ClinVar aggregate classification (germline): Conflicting classifications of pathogenicity. Review status: criteria provided, conflicting classifications (1 of 4 stars). 4 submissions from 4 submitters: Uncertain significance (1); Likely benign (2). 1 of the submissions does not count toward it. Last evaluated 2026-01-21.

Conditions:
Inborn genetic diseases. Identifiers: MedGen C0950123, MeSH D030342.
PKD1L1-related disorder. Also called: PKD1L1-related condition.

Allele frequency attached by ClinVar (database versions not stated): gnomAD exomes 0.00016 and 0.00047; ExAC 0.00058; 1000 Genomes Project 0.00080; 1000 Genomes Project 30x 0.00094; gnomAD 0.00170 and 0.00182; TOPMed 0.00181; ESP Exome Variant Server 0.00284.
gnomAD v4.1: 497 of 1,613,816 alleles (0.031%); highest among the groups gnomAD compares: African/African-American, 0.6%; 2 homozygotes.

Submissions (4):

Labcorp Genetics (formerly Invitae), Labcorp
Classification: Likely benign. Last evaluated: 2026-01-21. Review status: criteria provided, single submitter. Criteria: Invitae Variant Classification Sherloc (09022015). Collection method: clinical testing. Allele origin: germline.

Blueprint Genetics
Classification: Likely benign. Last evaluated: 2024-07-04. Review status: criteria provided, single submitter. Criteria: ACMG Guidelines, 2015. Collection method: clinical testing. Allele origin: germline.

Ambry Genetics
Classification: Uncertain significance for Inborn genetic diseases. Last evaluated: 2023-03-06. Review status: criteria provided, single submitter. Criteria: Ambry Variant Classification Scheme 2023. Collection method: clinical testing. Allele origin: germline.

PreventionGenetics, part of Exact Sciences
Classification: Likely benign for PKD1L1-related condition. Last evaluated: 2020-01-17. Review status: no assertion criteria provided. Collection method: clinical testing. Allele origin: germline. Not counted in ClinVar's aggregate classification.
Comment: This variant is classified as likely benign based on ACMG/AMP sequence variant interpretation guidelines (Richards et al. 2015 PMID: 25741868, with internal and published modifications).

NM_138295.5(PKD1L1):c.6058G>A (p.Ala2020Thr)

Gene: PKD1L1 (polycystin 1 like 1, transient receptor potential channel interacting; minus strand). Cytogenetic location: 7p12.3.
Variant type: single nucleotide variant.
Coding change: c.6058G>A on transcript NM_138295.5 (MANE Select); coding-DNA position 6058, G replaced by A.
Protein change: p.Ala2020Thr; replaces alanine 2020 with threonine.
Molecular consequence: missense variant.
Genome position (GRCh38, 1-based): chr7:47,835,036, C>T on the plus strand (G>A on the coding strand, the complement: PKD1L1 is on the minus strand). VCF-style: chr7-47835036-C-T. GRCh37 (hg19) VCF-style: chr7-47874634-C-T.
Other names: short protein forms A2020T.
Identifiers: ClinVar variation 729937 (VCV000729937.12), dbSNP rs142048596, ClinGen allele CA4252604.
Genomic context (GRCh38, chr7:47,835,036, plus strand): 5'-CCTCGGTCTGTGCTCCTCCTCTAAGTGGGCTGTGTGGCTCCACTCGGGCAGACCCCGGGG[C>T]TTCCTGCAGAAGGAAAGAGGTGGTTCGCCAAGCGTGTTCCCCAGCAATGAAGGGGCTGCT-3'
Protein context (NP_612152.1, residues 2010-2030): LSLLFRLSKE[Ala2020Thr]PGSARVEPHS